The following is an entry in ClinVar:

NM_001048174.2(MUTYH):c.-6-2A>G

Gene: MUTYH (mutY DNA glycosylase; minus strand). Cytogenetic location: 1p34.1.
Variant type: single nucleotide variant.
Coding change: c.-6-2A>G on transcript NM_001048174.2 (MANE Select); the canonical splice acceptor site of the intron before 6 bases upstream of the start codon, A replaced by G.
Molecular consequence: splice acceptor variant.
Genome position (GRCh38, 1-based): chr1:45,334,513, T>C on the plus strand (A>G on the coding strand, the complement: MUTYH is on the minus strand). VCF-style: chr1-45334513-T-C. GRCh37 (hg19) VCF-style: chr1-45800185-T-C.
Other names: c.-6-2A>G (NM_001407072.1, NM_001048171.2, NM_001407070.1 and 15 more transcripts); c.-213-2A>G (NM_001350651.2, NM_001407082.1); c.-218-2A>G (NM_001293192.2, NM_001293196.2, NM_001407091.1); c.-277-2A>G (NM_001350650.2); c.37-2A>G (NM_001407073.1, NM_001293190.2, NM_001407069.1 and 2 more transcripts); c.-162-2A>G (NM_001407075.1); c.13-2A>G (NM_001407087.1).
Identifiers: ClinVar variation 560804 (VCV000560804.20), dbSNP rs1383826978, ClinGen allele CA340137354.

ClinVar aggregate classification (germline): Likely pathogenic. Review status: criteria provided, multiple submitters, no conflicts (2 of 4 stars). 6 submissions from 6 submitters: Likely pathogenic (6). Last evaluated 2025-10-28.

Conditions:
Familial adenomatous polyposis 2. Also called: MUTYH Polyposis; MYH-associated polyposis; FAP type 2; MUTYH-associated polyposis; Adenomas, multiple colorectal; MUTYH-related attenuated familial adenomatous polyposis. Identifiers: Orphanet 220460, Orphanet 247798, MedGen C3272841, MONDO:0012041, OMIM 608456.
Hereditary cancer-predisposing syndrome. Also called: Hereditary Cancer Syndrome; Neoplastic Syndromes, Hereditary; Hereditary neoplastic syndrome; Tumor predisposition. Identifiers: Orphanet 140162, MedGen C0027672, MeSH D009386, MONDO:0015356.

Allele frequency attached by ClinVar (database versions not stated): gnomAD exomes below 0.00001; TOPMed below 0.00001; gnomAD 0.00001.

Submissions (6):

Labcorp Genetics (formerly Invitae), Labcorp
Classification: Likely pathogenic for Familial adenomatous polyposis 2. Last evaluated: 2025-10-28. Review status: criteria provided, single submitter. Criteria: Invitae Variant Classification Sherloc (09022015). Collection method: clinical testing. Allele origin: germline.
Comment: This sequence change affects an acceptor splice site in intron 1 of the MUTYH gene. It is expected to disrupt RNA splicing. Variants that disrupt the donor or acceptor splice site typically lead to a loss of protein function (PMID: 16199547), and loss-of-function variants in MUTYH are known to be pathogenic (PMID: 18534194, 20663686). This variant is present in population databases (no rsID available, gnomAD 0.0009%). This variant has not been reported in the literature in individuals affected with MUTYH-related conditions. ClinVar contains an entry for this variant (Variation ID: 560804). Algorithms developed to predict the effect of sequence changes on RNA splicing suggest that this variant may disrupt the consensus splice site. In summary, the currently available evidence indicates that the variant is pathogenic, but additional data are needed to prove that conclusively. Therefore, this variant has been classified as Likely Pathogenic.

Ambry Genetics
Classification: Likely pathogenic for Hereditary cancer-predisposing syndrome. Last evaluated: 2025-07-21. Review status: criteria provided, single submitter. Criteria: Ambry Variant Classification Scheme 2023. Collection method: clinical testing. Allele origin: germline.
Comment: The c.37-2A>G intronic variant results from an A to G substitution two nucleotides upstream from coding exon 2 in the MUTYH gene. In silico splice site analysis predicts that this alteration will weaken the native splice acceptor site and may result in the creation or strengthening of a novel splice acceptor site; however, direct evidence is insufficient at this time (Ambry internal data). The stop codon in the predicted resulting transcript occurs in the 5' end ofthe MUTYH gene. As such, this alteration may escape nonsense-mediated mRNAdecay and/or be prone to rescue by reinitiation (Rivas et al. Science. 2015 May 8;348(6235):666-9; Lindeboom et al. Nat Genet. 2016 Oct;48(10):1112-8; Rhee et al. Sci Rep. 2017 May 10;7(1):1653). The exact functional effect of this alteration is unknown; however, the impacted region is critical for protein function (Ambry internal data). This variant has been identified in the homozygous state and/or in conjunction with other MUTYH variant(s) in individual(s) with features consistent with MUTYH-associated polyposis (Ambry internal data). This variant is considered to be rare based on population cohorts in the Genome Aggregation Database (gnomAD). This nucleotide position is highly conserved in available vertebrate species. Based on the majority of available evidence to date, this variant is likely to be pathogenic.

All of Us Research Program, National Institutes of Health
Classification: Likely pathogenic for Familial adenomatous polyposis 2. Last evaluated: 2023-12-13. Review status: criteria provided, single submitter. Criteria: ACMG Guidelines, 2015. Collection method: clinical testing. Allele origin: germline. Inheritance: Autosomal recessive inheritance. Observed: 1 variant allele, 1 heterozygote.
Comment: This variant causes an A to G nucleotide substitution at the -2 position of intron 1 of the MUTYH gene. Splice site prediction tools predict that this variant may have a significant impact on RNA splicing. Although this prediction has not been confirmed in published RNA studies, this variant is expected to result in an absent or disrupted protein product. This variant has not been reported in individuals affected with MUTYH-associated disorders in the literature. This variant has been identified in 1/251466 chromosomes in the general population by the Genome Aggregation Database (gnomAD). Loss of MUTYH function is a known mechanism of disease. Based on the available evidence, this variant is classified as Likely Pathogenic.

This study involves interpretation of variants in research participants for the purpose of population health screening. Participant phenotype was not available at the time of variant classification. Additional details can be found in publication PMID: 35346344, PMCID: PMC8962531

Color Diagnostics, LLC DBA Color Health
Classification: Likely pathogenic for Hereditary cancer-predisposing syndrome. Last evaluated: 2023-11-28. Review status: criteria provided, single submitter. Criteria: ACMG Guidelines, 2015. Collection method: clinical testing. Allele origin: germline.
Comment: This variant causes an A to G nucleotide substitution at the -2 position of intron 1 of the MUTYH gene. Splice site prediction tools predict that this variant may have a significant impact on RNA splicing. Although this prediction has not been confirmed in published RNA studies, this variant is expected to result in an absent or disrupted protein product. This variant has not been reported in individuals affected with MUTYH-associated disorders in the literature. This variant has been identified in 1/251466 chromosomes in the general population by the Genome Aggregation Database (gnomAD). Loss of MUTYH function is a known mechanism of disease. Based on the available evidence, this variant is classified as Likely Pathogenic.

GeneDx
Classification: Likely pathogenic. Last evaluated: 2023-10-26. Review status: criteria provided, single submitter. Criteria: GeneDx Variant Classification Process June 2021. Collection method: clinical testing. Allele origin: germline. Affected: yes.
Comment: Canonical splice site variant predicted to result in a null allele in a gene for which loss of function is a known mechanism of disease; Not observed at significant frequency in large population cohorts (gnomAD); Has not been previously published as pathogenic or benign to our knowledge

PreventionGenetics, part of Exact Sciences
Classification: Likely pathogenic. Last evaluated: 2020-05-20. Review status: criteria provided, single submitter. Criteria: ACMG Guidelines, 2015. Collection method: clinical testing. Allele origin: germline.

Literature cited by the submitters: PubMed 16199547 (cited by Labcorp Genetics (formerly Invitae), Labcorp); PubMed 18534194 (cited by Labcorp Genetics (formerly Invitae), Labcorp); PubMed 20663686 (cited by Labcorp Genetics (formerly Invitae), Labcorp).